The following is an entry in ClinVar:

NM_000557.5(GDF5):c.157dup (p.Leu53fs)

Gene: GDF5 (growth differentiation factor 5; minus strand). Cytogenetic location: 20q11.22.
Variant type: Duplication.
Coding change: c.157dup on transcript NM_000557.5 (MANE Select); coding-DNA position 157, one base duplicated (C; older notation c.157dupC).
Protein change: p.Leu53fs; shifts the reading frame from leucine 53.
Molecular consequence: frameshift variant.
Genome position (GRCh38, 1-based): chr20:35,437,772, G duplicated on the plus strand (C on the coding strand, the reverse complement: GDF5 is on the minus strand); the first of 7 consecutive G bases (chr20:35,437,772-35,437,778); duplicating any one gives the same sequence. VCF-style (leftmost placement, unchanged base first): chr20-35437771-A-AG. GRCh37 (hg19) VCF-style: chr20-34025551-A-AG.
Other names: c.157dup, p.Leu53fs (NM_001319138.2); c.157dupC (NM_000557.4); c.157dup (NM_000557.4, NM_000557.2); short protein forms L53fs.
Identifiers: ClinVar variation 817904 (VCV000817904.12), dbSNP rs778834209, ClinGen allele CA9832416.

ClinVar aggregate classification (germline): Pathogenic. Review status: criteria provided, multiple submitters, no conflicts (2 of 4 stars). 5 submissions from 5 submitters: Pathogenic (4). 1 of the submissions does not count toward it. Last evaluated 2026-10-06.

Conditions:
Brachydactyly type C (BDC). Identifiers: Orphanet 93384, MedGen C1862103, MONDO:0007221, OMIM 113100, HP:0009373.
GDF5-related disorder. Also called: GDF5 (CDMP1)-related disorder; GDF5-related condition. Identifiers: MedGen CN169990.

Submissions (5):

GeneDx
Classification: Pathogenic. Last evaluated: 2026-10-06. Review status: criteria provided, single submitter. Criteria: GeneDx Variant Classification Process June 2021. Collection method: clinical testing. Allele origin: germline.
Comment: Frameshift variant predicted to result in protein truncation or nonsense mediated decay in a gene for which loss of function is a known mechanism of disease; This variant is associated with the following publications: (PMID: 12357473, 33333243, 38702915, 27577507)

Labcorp Genetics (formerly Invitae), Labcorp
Classification: Pathogenic. Last evaluated: 2024-12-08. Review status: criteria provided, single submitter. Criteria: Invitae Variant Classification Sherloc (09022015). Collection method: clinical testing. Allele origin: germline.
Comment: This sequence change creates a premature translational stop signal (p.Leu53Profs*41) in the GDF5 gene. It is expected to result in an absent or disrupted protein product. Loss-of-function variants in GDF5 are known to be pathogenic (PMID: 8589725, 9288091, 12121354, 12357473, 27577507). The frequency data for this variant in the population databases is considered unreliable, as metrics indicate poor data quality at this position in the gnomAD database. This premature translational stop signal has been observed in individual(s) with acromesomelic dysplasia and/or brachydactyly (PMID: 12357473, 27577507). ClinVar contains an entry for this variant (Variation ID: 817904). For these reasons, this variant has been classified as Pathogenic.

Blueprint Genetics
Classification: Pathogenic for GDF5-related disorders. Last evaluated: 2021-05-05. Review status: criteria provided, single submitter. Criteria: ACMG Guidelines, 2015. Collection method: clinical testing. Allele origin: germline. Affected: yes. Observed: 3 variant alleles.

Clinical Genetics Service, Universitary Hospital 12 de Octubre
Classification: Pathogenic for Brachydactyly type C. Review status: criteria provided, single submitter. Criteria: ACMG Guidelines, 2015. Collection method: clinical testing. Allele origin: paternal. Affected: yes.

PreventionGenetics, part of Exact Sciences
Classification: Pathogenic for GDF5-related condition. Last evaluated: 2024-09-27. Review status: no assertion criteria provided. Collection method: clinical testing. Allele origin: germline. Not counted in ClinVar's aggregate classification.
Comment: The GDF5 c.157dupC variant is predicted to result in a frameshift and premature protein termination (p.Leu53Profs*41). This variant in the heterozygous condition was reported in patients with autosomal dominant brachydactyly (Reported as c.158insC, Everman et al. 2002. PubMed ID: 12357473; Genovesi et al. 2021. PubMed ID: 33333243). In the homozygous condition, this variant was reported in patients with autosomal recessive acromesomelic dysplasia (Umair et al. 2017. PubMed ID: 27577507). This variant is reported in 0.010% of alleles in individuals of Ashkenazi Jewish descent in gnomAD. Frameshift variants in GDF5 are expected to be pathogenic. This variant is interpreted as pathogenic.

Literature cited by the submitters: PubMed 8589725 (cited by Labcorp Genetics (formerly Invitae), Labcorp); PubMed 9288091 (cited by Labcorp Genetics (formerly Invitae), Labcorp); PubMed 12121354 (cited by Labcorp Genetics (formerly Invitae), Labcorp); PubMed 12357473 (cited by Labcorp Genetics (formerly Invitae), Labcorp); PubMed 27577507 (cited by Labcorp Genetics (formerly Invitae), Labcorp).